The following is an entry in ClinVar:

ClinVar aggregate classification (germline): Conflicting classifications of pathogenicity. Review status: criteria provided, conflicting classifications (1 of 4 stars). 3 submissions from 3 submitters: Likely pathogenic (1); Uncertain significance (1). 1 of the submissions does not count toward it. Last evaluated 2025-03-05.

Conditions:
Charcot-Marie-Tooth disease type 2. Also called: Charcot-Marie-Tooth type 2. Identifiers: Orphanet 64746, MedGen C0270914, MONDO:0018993.

Submissions (3):

Revvity Omics, Revvity
Classification: Likely pathogenic. Last evaluated: 2025-03-05. Review status: criteria provided, single submitter. Criteria: ACMG Guidelines, 2015. Collection method: clinical testing. Allele origin: germline.

Labcorp Genetics (formerly Invitae), Labcorp
Classification: Uncertain significance for Charcot-Marie-Tooth disease type 2. Last evaluated: 2021-06-09. Review status: criteria provided, single submitter. Criteria: Invitae Variant Classification Sherloc (09022015). Collection method: clinical testing. Allele origin: germline.
Comment: In summary, the available evidence is currently insufficient to determine the role of this variant in disease. Therefore, it has been classified as a Variant of Uncertain Significance. Experimental studies and prediction algorithms are not available or were not evaluated, and the functional significance of this variant is currently unknown. This variant has been observed in individual(s) with clinical features of Emery-Dreifuss muscular dystrophy (PMID: 10939567). This variant is not present in population databases (ExAC no frequency). This variant, c.334_336del, results in the deletion of 1 amino acid(s) of the LMNA protein (p.Glu112del), but otherwise preserves the integrity of the reading frame.

Epithelial Biology;  Institute of Medical Biology, Singapore
No classification provided. Review status: no classification provided. Collection method: not provided. Allele origin: not provided. Not counted in ClinVar's aggregate classification.

Literature cited by the submitters: PubMed 10939567 (cited by Labcorp Genetics (formerly Invitae), Labcorp).

NM_170707.4(LMNA):c.331GAG[1] (p.Glu112del)

Gene: LMNA (lamin A/C; plus strand). Cytogenetic location: 1q22.
Variant type: Microsatellite.
Coding change: c.331GAG[1] on transcript NM_170707.4 (MANE Select); one copy of the 3-base unit GAG starting at c.331; the reference has two copies in a row; one copy, 3 bases deleted; also written c.334_336del.
Protein change: p.Glu112del; deletes glutamic acid 112.
Molecular consequence: inframe deletion.
Genome position (GRCh38, 1-based): chr1:156,115,252-156,115,254, GAG deleted; deleting any 3 consecutive bases within chr1:156,115,249-156,115,254 gives the same sequence; the position shown is the placement nearest the transcript's 3' end. VCF-style (leftmost placement, unchanged base first): chr1-156115248-TGAG-T. GRCh37 (hg19) VCF-style: chr1-156085039-TGAG-T.
Other names: c.334_336del (NM_170707.4); c.331GAG[1], p.Glu112del (NM_001282625.2, NM_001282626.2, NM_005572.4 and 1 more transcripts); short protein forms E112del.
Identifiers: ClinVar variation 66892 (VCV000066892.12), dbSNP rs61726474, ClinGen allele CA017909.